The following is an entry in ClinVar:

ClinVar aggregate classification (germline): Likely pathogenic (1 of 4 stars; one submission).

Conditions:
Hereditary cancer-predisposing syndrome. Also called: Neoplastic Syndromes, Hereditary; Tumor predisposition; Hereditary Cancer Syndrome; Hereditary neoplastic syndrome. Identifiers: Orphanet 140162, MedGen C0027672, MeSH D009386, MONDO:0015356.

Submission:

Ambry Genetics
Classification: Likely pathogenic for Hereditary cancer-predisposing syndrome. Last evaluated: 2026-01-14. Review status: criteria provided, single submitter. Criteria: Ambry Variant Classification Scheme 2023. Collection method: clinical testing. Allele origin: germline.
Comment: The c.4128delT variant, located in coding exon 15 of the APC gene, results from a deletion of one nucleotide at nucleotide position 4128, causing a translational frameshift with a predicted alternate stop codon (p.Y1376*). This alteration occurs at the 3' terminus of the gene, is not expected to trigger nonsense-mediated mRNA decay, and impacts the last 48.4% of the protein. However, premature stop codons are typically deleterious in nature and a significant portion of the protein is affected (Ambry internal data). This variant was reported in individual(s) with features consistent with APC-related familial adenomatous polyposis (Friedl W et al. Hered Cancer Clin Pract, 2005 Sep;3:95-114; Ambry internal data). This variant is considered to be rare based on population cohorts in the Genome Aggregation Database (gnomAD). Based on the majority of available evidence to date, this variant is likely to be pathogenic

Literature cited by the submitters: PubMed 20223039.

NM_000038.6(APC):c.4128del (p.His1375_Tyr1376insTer)

Gene: APC (APC regulator of Wnt signaling pathway; plus strand). Cytogenetic location: 5q22.2.
Variant type: Deletion.
Coding change: c.4128del on transcript NM_000038.6 (MANE Select); coding-DNA position 4128, one base deleted (T; older notation c.4128delT).
Protein change: p.His1375_Tyr1376insTer.
Molecular consequence: nonsense. On other transcripts: non-coding transcript variant (2).
Genome position (GRCh38, 1-based): chr5:112,839,722, T deleted. VCF-style (leftmost placement, unchanged base first): chr5-112839721-AT-A. GRCh37 (hg19) VCF-style: chr5-112175418-AT-A.
Other names: c.3279del, p.His1092_Tyr1093insTer (NM_001354906.2, NM_001407470.1); c.4212del, p.His1403_Tyr1404insTer (NM_001407446.1); c.4182del, p.His1393_Tyr1394insTer (NM_001407447.1, NM_001407448.1, NM_001407449.1 and 1 more transcripts); c.4128del, p.His1375_Tyr1376insTer (NM_001407450.1, NM_001127510.3, NM_001354895.2); c.4107del, p.His1368_Tyr1369insTer (NM_001407451.1); c.4098del, p.His1365_Tyr1366insTer (NM_001407452.1); c.3951del, p.His1316_Tyr1317insTer (NM_001407453.1, NM_001354901.2); c.3879del, p.His1292_Tyr1293insTer (NM_001407454.1, NM_001407455.1, NM_001407456.1 and 1 more transcripts); and 11 more.
Identifiers: ClinVar variation 4843534 (VCV004843534.1).
Genomic context (GRCh38, chr5:112,839,721, plus strand): 5'-CAGGAGCGAAATCTCCCTCCAAAAGTGGTGCTCAGACACCCAAAAGTCCACCTGAACACT[AT>A]GTTCAGGAGACCCCACTCATGTTTAGCAGATGTACTTCTGTCAGTTCACTTGATAGTTTT-3'